The following is an entry in ClinVar:

NM_004656.4(BAP1):c.518A>G (p.Tyr173Cys)

Gene: BAP1 (BRCA1 associated deubiquitinase 1; minus strand). Cytogenetic location: 3p21.1.
Variant type: single nucleotide variant.
Coding change: c.518A>G on transcript NM_004656.4 (MANE Select); coding-DNA position 518, A replaced by G.
Protein change: p.Tyr173Cys; replaces tyrosine 173 with cysteine.
Molecular consequence: missense variant.
Genome position (GRCh38, 1-based): chr3:52,407,236, T>C on the plus strand (A>G on the coding strand, the complement: BAP1 is on the minus strand). VCF-style: chr3-52407236-T-C. GRCh37 (hg19) VCF-style: chr3-52441252-T-C.
Other names: c.518A>G, p.Tyr173Cys (NM_001410772.1); c.518A>G (NM_004656.3); short protein forms Y173C.
Identifiers: ClinVar variation 1745898 (VCV001745898.10), dbSNP rs1705195392, ClinGen allele CA353109846.

ClinVar aggregate classification (germline): Conflicting classifications of pathogenicity. Review status: criteria provided, conflicting classifications (1 of 4 stars). 6 submissions from 6 submitters: Pathogenic (1); Likely pathogenic (2); Uncertain significance (3). Last evaluated 2025-08-29.

Conditions:
Hereditary cancer-predisposing syndrome. Also called: Hereditary Cancer Syndrome; Neoplastic Syndromes, Hereditary; Tumor predisposition; Hereditary neoplastic syndrome. Identifiers: Orphanet 140162, MedGen C0027672, MeSH D009386, MONDO:0015356.
BAP1-related tumor predisposition syndrome (TPDS1). Also called: Tumor susceptibility linked to germline BAP1 mutations; COMMON Syndrome; TUMOR PREDISPOSITION SYNDROME 1; BAP1 tumor predisposition syndrome. Identifiers: Orphanet 289539, MedGen C3280492, MONDO:0013692, OMIM 614327.

Allele frequency attached by ClinVar (database versions not stated): gnomAD exomes below 0.00001.

Submissions (6):

Labcorp Genetics (formerly Invitae), Labcorp
Classification: Uncertain significance for BAP1-related tumor predisposition syndrome. Last evaluated: 2025-08-29. Review status: criteria provided, single submitter. Criteria: Invitae Variant Classification Sherloc (09022015). Collection method: clinical testing. Allele origin: germline.
Comment: This sequence change replaces tyrosine, which is neutral and polar, with cysteine, which is neutral and slightly polar, at codon 173 of the BAP1 protein (p.Tyr173Cys). This variant is not present in population databases (gnomAD no frequency). This missense change has been observed in individuals with BAP1-related conditions (PMID: 26140217, 35441217; internal data). ClinVar contains an entry for this variant (Variation ID: 1745898). Invitae Evidence Modeling of protein sequence and biophysical properties (such as structural, functional, and spatial information, amino acid conservation, physicochemical variation, residue mobility, and thermodynamic stability) indicates that this missense variant is expected to disrupt BAP1 protein function with a positive predictive value of 80%. Experimental studies have shown that this missense change affects BAP1 function (PMID: 38969833). In summary, the available evidence is currently insufficient to determine the role of this variant in disease. Therefore, it has been classified as a Variant of Uncertain Significance.

Molecular Pathology, Peter Maccallum Cancer Centre
Classification: Likely pathogenic for BAP1-related tumor predisposition syndrome. Last evaluated: 2025-06-05. Review status: criteria provided, single submitter. Criteria: ACMG Guidelines, 2015. Collection method: clinical testing. Allele origin: germline. Inheritance: Autosomal dominant inheritance.

Ambry Genetics
Classification: Pathogenic for Hereditary cancer-predisposing syndrome. Last evaluated: 2024-10-31. Review status: criteria provided, single submitter. Criteria: Ambry Variant Classification Scheme 2023. Collection method: clinical testing. Allele origin: germline.
Comment: The p.Y173C pathogenic mutation (also known as c.518A>G), located in coding exon 7 of the BAP1 gene, results from an A to G substitution at nucleotide position 518. The tyrosine at codon 173 is replaced by cysteine, an amino acid with highly dissimilar properties. This alteration was identified in an individual diagnosed with a uveal melanoma, peritoneal mesothelioma and a primary biliary tract adenocarcinoma (Klebe S et al. Biomark Res, 2015 Jul;3:14). This alteration was non-functional in a high throughput genome editing haploid cell survival assay (Waters AJ et al. Nat Genet, 2024 Jul;56(7):1434-1445). Based on internal structural analysis, p.Y173C is destabilizing to the local structure (Ambry internal data; De I et al. Structure, 2019 Mar;27(3):528-536.e4). This amino acid position is highly conserved in available vertebrate species. In addition, this alteration is predicted to be deleterious by in silico analysis. Based on the supporting evidence, this variant is interpreted as a disease-causing mutation.

Myriad Genetics, Inc.
Classification: Likely pathogenic for BAP1-related tumor predisposition syndrome. Last evaluated: 2024-08-14. Review status: criteria provided, single submitter. Criteria: Myriad Autosomal Dominant, Autosomal Recessive and X-Linked Classification Criteria (2023). Collection method: clinical testing. Allele origin: unknown.
Comment: This variant is considered likely pathogenic. Functional studies indicate this variant impacts protein function [PMID: 38969833]. This variant has been reported in multiple individuals with clinical features of gene-specific disease [PMID: 26140217, 35441217].

GeneDx
Classification: Uncertain significance. Last evaluated: 2023-07-17. Review status: criteria provided, single submitter. Criteria: GeneDx Variant Classification Process June 2021. Collection method: clinical testing. Allele origin: germline. Affected: yes.
Comment: Not observed at significant frequency in large population cohorts (gnomAD); In silico analysis supports that this missense variant has a deleterious effect on protein structure/function; Identified in an individual with uveal melanoma, mesothelioma and other cancer as well as in an individual with renal cell carcinoma (Klebe et al., 2015; Yngvadottir et al., 2022); Published functional studies demonstrate reduced deubiquitination capacity and possible protein instability (Ge et al., 2013; Puri et al., 2022); This variant is associated with the following publications: (PMID: 31253977, 30517737, 31426461, 31862487, 31681791, 36991118, 35317997, 26140217, 35441217, 33093002)

Baylor Genetics
Classification: Uncertain significance for BAP1-related tumor predisposition syndrome. Last evaluated: 2023-06-09. Review status: criteria provided, single submitter. Criteria: ACMG Guidelines, 2015. Collection method: clinical testing. Allele origin: unknown.

Literature cited by the submitters: PubMed 26140217 (cited by 3 submitters); PubMed 35441217 (cited by Labcorp Genetics (formerly Invitae), Labcorp and Myriad Genetics, Inc.); PubMed 38969833 (cited by 3 submitters); PubMed 30639226 (cited by Ambry Genetics).